The following is an entry in ClinVar:

ClinVar aggregate classification (germline): Uncertain significance (1 of 4 stars; one submission).

gnomAD v4.1: 4 of 1,481,854 alleles (0.00027%); highest among the groups gnomAD compares: Non-Finnish European, 0.00036%; no homozygotes.

Submission:

Labcorp Genetics (formerly Invitae), Labcorp
Classification: Uncertain significance. Last evaluated: 2026-02-01. Review status: criteria provided, single submitter. Criteria: Invitae Variant Classification Sherloc (09022015). Collection method: clinical testing. Allele origin: germline.
Comment: This sequence change replaces arginine, which is basic and polar, with glycine, which is neutral and non-polar, at codon 16 of the POLD2 protein (p.Arg16Gly). This variant is present in population databases (rs576036657, gnomAD 0.004%). This variant has not been reported in the literature in individuals affected with POLD2-related conditions. An algorithm developed to predict the effect of missense changes on protein structure and function outputs the following: PolyPhen-2: "Not Available". The glycine amino acid residue is found in multiple mammalian species, which suggests that this missense change does not adversely affect protein function. In summary, the available evidence is currently insufficient to determine the role of this variant in disease. Therefore, it has been classified as a Variant of Uncertain Significance.

NM_006230.4(POLD2):c.-60C>G

Gene: POLD2 (DNA polymerase delta 2, accessory subunit; minus strand). Cytogenetic location: 7p13.
Variant type: single nucleotide variant.
Coding change: c.-60C>G on transcript NM_006230.4 (MANE Select); 60 bases upstream of the start codon, C replaced by G.
Molecular consequence: 5 prime UTR variant.
Genome position (GRCh38, 1-based): chr7:44,123,514, G>C on the plus strand (C>G on the coding strand, the complement: POLD2 is on the minus strand). VCF-style: chr7-44123514-G-C. GRCh37 (hg19) VCF-style: chr7-44163113-G-C.
Other names: c.-233C>G (NM_001127218.3); c.-656C>G (NM_001256879.2).
Identifiers: ClinVar variation 4764118 (VCV004764118.1).
Genomic context (GRCh38, chr7:44,123,514, plus strand): 5'-CCTCGCGGCCTGGAACTGCCACCCCCAGCTGACCCCGTTTCCCTGGACCCCACTCACCGC[G>C]CGGCGCGCCGCATCCCGCCAATCCCCGCGCGCCTGCCCCGCCCATCGCCGCAACTCGCTA-3'